The following is an entry in ClinVar:

ClinVar aggregate classification (germline): Uncertain significance (1 of 4 stars; one submission).

Conditions:
Dilated cardiomyopathy 1AA (CMD1AA). Also called: Cardiomyopathy, dilated, 1AA, with or without LVNC; CARDIOMYOPATHY, DILATED, 1AA, WITH OR WITHOUT LEFT VENTRICULAR NONCOMPACTION; CARDIOMYOPATHY, FAMILIAL HYPERTROPHIC, 23, WITH OR WITHOUT LEFT VENTRICULAR NONCOMPACTION. Identifiers: Orphanet 154, MedGen C2677338, MONDO:0012808, OMIM 612158.
Primary familial hypertrophic cardiomyopathy (HCM). Identifiers: Orphanet 99739, MedGen C0949658, MeSH D024741, MONDO:0024573. Inheritance: Various modes of inheritance.

Submission:

Labcorp Genetics (formerly Invitae), Labcorp
Classification: Uncertain significance for Primary familial hypertrophic cardiomyopathy; Dilated cardiomyopathy 1AA. Last evaluated: 2022-11-08. Review status: criteria provided, single submitter. Criteria: Invitae Variant Classification Sherloc (09022015). Collection method: clinical testing. Allele origin: germline.
Comment: This variant has not been reported in the literature in individuals affected with ACTN2-related conditions. This sequence change replaces alanine, which is neutral and non-polar, with serine, which is neutral and polar, at codon 661 of the ACTN2 protein (p.Ala661Ser). This variant is not present in population databases (gnomAD no frequency). ClinVar contains an entry for this variant (Variation ID: 1525080). Advanced modeling of protein sequence and biophysical properties (such as structural, functional, and spatial information, amino acid conservation, physicochemical variation, residue mobility, and thermodynamic stability) performed at Invitae indicates that this missense variant is not expected to disrupt ACTN2 protein function. In summary, the available evidence is currently insufficient to determine the role of this variant in disease. Therefore, it has been classified as a Variant of Uncertain Significance.

NM_001103.4(ACTN2):c.1981G>T (p.Ala661Ser)

Gene: ACTN2 (actinin alpha 2; plus strand). Cytogenetic location: 1q43.
Variant type: single nucleotide variant.
Coding change: c.1981G>T on transcript NM_001103.4 (MANE Select); coding-DNA position 1981, G replaced by T.
Protein change: p.Ala661Ser; replaces alanine 661 with serine.
Molecular consequence: missense variant.
Genome position (GRCh38, 1-based): chr1:236,755,025, G>T. VCF-style: chr1-236755025-G-T. GRCh37 (hg19) VCF-style: chr1-236918325-G-T.
Other names: c.1981G>T, p.Ala661Ser (NM_001278343.2); c.1357G>T, p.Ala453Ser (NM_001278344.2); short protein forms A661S, A453S.
Identifiers: ClinVar variation 1525080 (VCV001525080.8), dbSNP rs2102943873, ClinGen allele CA345387398.